The following is an entry in ClinVar:

ClinVar aggregate classification (germline): Uncertain significance (1 of 4 stars; one submission).

Conditions:
Cardiovascular phenotype. Identifiers: MedGen CN230736.

Allele frequency attached by ClinVar (database versions not stated): gnomAD 0.00001; gnomAD exomes 0.00002.
gnomAD v4.1: 15 of 1,613,282 alleles (0.00093%); highest among the groups gnomAD compares: African/African-American, 0.0053%; no homozygotes.

Submission:

Ambry Genetics
Classification: Uncertain significance for Cardiovascular phenotype. Last evaluated: 2020-08-31. Review status: criteria provided, single submitter. Criteria: Ambry Variant Classification Scheme 2023. Collection method: clinical testing. Allele origin: germline.
Comment: The p.E17391K variant (also known as c.52171G>A), located in coding exon 153 of the TTN gene, results from a G to A substitution at nucleotide position 52171. The glutamic acid at codon 17391 is replaced by lysine, an amino acid with similar properties. This amino acid position is highly conserved in available vertebrate species. In addition, this alteration is predicted to be tolerated by in silico analysis. Since supporting evidence is limited at this time, the clinical significance of this alteration remains unclear.

NM_001267550.2(TTN):c.79366G>A (p.Glu26456Lys)

Genes: TTN (titin; minus strand), TTN-AS1 (TTN antisense RNA 1; plus strand). Cytogenetic location: 2q31.2.
Variant type: single nucleotide variant.
Coding change: c.79366G>A on transcript NM_001267550.2 (MANE Select); coding-DNA position 79366, G replaced by A.
Protein change: p.Glu26456Lys; replaces glutamic acid 26456 with lysine.
Molecular consequence: missense variant.
Genome position (GRCh38, 1-based): chr2:178,566,766, C>T on the plus strand (G>A on the coding strand, the complement: TTN is on the minus strand). VCF-style: chr2-178566766-C-T. GRCh37 (hg19) VCF-style: chr2-179431493-C-T.
Other names: c.74443G>A, p.Glu24815Lys (NM_001256850.1); c.52171G>A, p.Glu17391Lys (NM_003319.4); c.71662G>A, p.Glu23888Lys (NM_133378.4); c.52546G>A, p.Glu17516Lys (NM_133432.3); c.52747G>A, p.Glu17583Lys (NM_133437.4); short protein forms E17391K, E26456K, E24815K, E23888K, E17516K, E17583K.
Identifiers: ClinVar variation 1746134 (VCV001746134.2), dbSNP rs1706025148, ClinGen allele CA349597247.
Genomic context (GRCh38, chr2:178,566,766, plus strand): 5'-TAGCTGGACTTGGTTCCCCAACTCCAGCAGCATTTTCTGCAGAGACCCTGAATTCATACT[C>T]ATGATCTTCTGTTAATCCTGTCACTCTTAGACGCAAATCTGTAATGCGGCGTTTATTACA-3'
Protein context (NP_001254479.2, residues 26446-26466): LRVTGLTEDH[Glu26456Lys]YEFRVSAENA